The following is an entry in ClinVar:

NM_015213.4(DENND5A):c.799G>A (p.Gly267Arg)

Gene: DENND5A (DENN domain containing 5A; minus strand). Cytogenetic location: 11p15.4.
Variant type: single nucleotide variant.
Coding change: c.799G>A on transcript NM_015213.4 (MANE Select); coding-DNA position 799, G replaced by A.
Protein change: p.Gly267Arg; replaces glycine 267 with arginine.
Molecular consequence: missense variant. On other transcripts: non-coding transcript variant (1).
Genome position (GRCh38, 1-based): chr11:9,203,810, C>T on the plus strand (G>A on the coding strand, the complement: DENND5A is on the minus strand). VCF-style: chr11-9203810-C-T. GRCh37 (hg19) VCF-style: chr11-9225357-C-T.
Other names: c.799G>A, p.Gly267Arg (NM_001243254.2, NM_001348748.1); c.727G>A, p.Gly243Arg (NM_001348749.2); c.511G>A, p.Gly171Arg (NM_001348750.2); short protein forms G171R, G243R, G267R.
Identifiers: ClinVar variation 1963364 (VCV001963364.3), dbSNP rs146116488, ClinGen allele CA217547604.

ClinVar aggregate classification (germline): Uncertain significance (1 of 4 stars; one submission).

Allele frequency attached by ClinVar (database versions not stated): gnomAD 0.00001; TOPMed 0.00002; ESP Exome Variant Server 0.00015.

Submission:

Labcorp Genetics (formerly Invitae), Labcorp
Classification: Uncertain significance. Last evaluated: 2022-04-23. Review status: criteria provided, single submitter. Criteria: Invitae Variant Classification Sherloc (09022015). Collection method: clinical testing. Allele origin: germline.
Comment: In summary, the available evidence is currently insufficient to determine the role of this variant in disease. Therefore, it has been classified as a Variant of Uncertain Significance. Algorithms developed to predict the effect of missense changes on protein structure and function (SIFT, PolyPhen-2, Align-GVGD) all suggest that this variant is likely to be tolerated. This variant has not been reported in the literature in individuals affected with DENND5A-related conditions. This variant is present in population databases (rs146116488, gnomAD 0.01%). This sequence change replaces glycine, which is neutral and non-polar, with arginine, which is basic and polar, at codon 267 of the DENND5A protein (p.Gly267Arg).